The following is an entry in ClinVar:

ClinVar aggregate classification (germline): Uncertain significance (1 of 4 stars; one submission).

Allele frequency attached by ClinVar (database versions not stated): gnomAD exomes 0.00001.
gnomAD v4.1: 3 of 1,614,158 alleles (0.00019%); highest among the groups gnomAD compares: Non-Finnish European, 0.00025%; no homozygotes.

Submission:

Labcorp Genetics (formerly Invitae), Labcorp
Classification: Uncertain significance. Last evaluated: 2022-06-10. Review status: criteria provided, single submitter. Criteria: Invitae Variant Classification Sherloc (09022015). Collection method: clinical testing. Allele origin: germline.
Comment: In summary, the available evidence is currently insufficient to determine the role of this variant in disease. Therefore, it has been classified as a Variant of Uncertain Significance. Algorithms developed to predict the effect of missense changes on protein structure and function output the following: SIFT: "Deleterious"; PolyPhen-2: "Benign"; Align-GVGD: "Class C0". The glycine amino acid residue is found in multiple mammalian species, which suggests that this missense change does not adversely affect protein function. This variant has not been reported in the literature in individuals affected with PODXL-related conditions. This variant is not present in population databases (gnomAD no frequency). This sequence change replaces serine, which is neutral and polar, with glycine, which is neutral and non-polar, at codon 188 of the PODXL protein (p.Ser188Gly).

NM_001018111.3(PODXL):c.562A>G (p.Ser188Gly)

Gene: PODXL (podocalyxin like; minus strand). Cytogenetic location: 7q32.3.
Variant type: single nucleotide variant.
Coding change: c.562A>G on transcript NM_001018111.3 (MANE Select); coding-DNA position 562, A replaced by G.
Protein change: p.Ser188Gly; replaces serine 188 with glycine.
Molecular consequence: missense variant.
Genome position (GRCh38, 1-based): chr7:131,510,972, T>C on the plus strand (A>G on the coding strand, the complement: PODXL is on the minus strand). VCF-style: chr7-131510972-T-C. GRCh37 (hg19) VCF-style: chr7-131195731-T-C.
Other names: c.562A>G, p.Ser188Gly (NM_005397.4); short protein forms S188G.
Identifiers: ClinVar variation 1895981 (VCV001895981.5), dbSNP rs2485279006, ClinGen allele CA369301190.